The following is an entry in ClinVar:

ClinVar aggregate classification (germline): Conflicting classifications of pathogenicity. Review status: criteria provided, conflicting classifications (1 of 4 stars). 10 submissions from 10 submitters: Uncertain significance (4); Likely benign (3). 3 of the submissions do not count toward it. Last evaluated 2025-12-28.

Conditions:
Hereditary cancer-predisposing syndrome. Also called: Neoplastic Syndromes, Hereditary; Hereditary neoplastic syndrome; Tumor predisposition; Hereditary Cancer Syndrome. Identifiers: Orphanet 140162, MedGen C0027672, MeSH D009386, MONDO:0015356.
Ataxia-telangiectasia syndrome (AT). Also called: LOUIS-BAR SYNDROME; Cerebello-oculocutaneous telangiectasia; Immunodeficiency with ataxia telangiectasia; ATAXIA-TELANGIECTASIA, COMPLEMENTATION GROUP A; ATAXIA-TELANGIECTASIA, FRESNO VARIANT; Ataxia-telangiectasia. Identifiers: Orphanet 100, MedGen C0004135, MONDO:0008840, OMIM 208900.
Malignant tumor of breast. Also called: Cancer breast; Malignant breast neoplasm. Identifiers: MedGen C0006142, MONDO:0007254. Disease mechanism: loss of function.

Allele frequency attached by ClinVar (database versions not stated): gnomAD below 0.00001 and 0.00003; ExAC 0.00010; TOPMed below 0.00001.
gnomAD v4.1: 90 of 1,614,012 alleles (0.0056%); highest among the groups gnomAD compares: South Asian, 0.091%; 1 homozygote.

Submissions (10):

Labcorp Genetics (formerly Invitae), Labcorp
Classification: Likely benign for Ataxia-telangiectasia syndrome. Last evaluated: 2025-12-28. Review status: criteria provided, single submitter. Criteria: Invitae Variant Classification Sherloc (09022015). Collection method: clinical testing. Allele origin: germline.

Ambry Genetics
Classification: Likely benign for Hereditary cancer-predisposing syndrome. Last evaluated: 2025-12-17. Review status: criteria provided, single submitter. Criteria: Ambry Variant Classification Scheme 2023. Collection method: clinical testing. Allele origin: germline.

GeneDx
Classification: Uncertain significance. Last evaluated: 2025-07-08. Review status: criteria provided, single submitter. Criteria: GeneDx Variant Classification Process June 2021. Collection method: clinical testing. Allele origin: germline. Affected: yes.
Comment: In silico analysis suggests that this missense variant does not alter protein structure/function; This variant is associated with the following publications: (PMID: 24728327, 29470806, 31159747, 28652578, 33875564, 19781682, 36200007, 32885271)

Center for Genomic Medicine, Rigshospitalet, Copenhagen University Hospital
Classification: Uncertain significance. Last evaluated: 2025-03-04. Review status: criteria provided, single submitter. Criteria: ACMG Guidelines, 2015. Collection method: clinical testing. Allele origin: germline.

Color Diagnostics, LLC DBA Color Health
Classification: Likely benign for Hereditary cancer-predisposing syndrome. Last evaluated: 2024-10-09. Review status: criteria provided, single submitter. Criteria: ACMG Guidelines, 2015. Collection method: clinical testing. Allele origin: germline.

Genome-Nilou Lab
Classification: Uncertain significance for Ataxia-telangiectasia syndrome. Last evaluated: 2021-05-18. Review status: criteria provided, single submitter. Criteria: ACMG Guidelines, 2015. Collection method: clinical testing. Allele origin: germline. Affected: no.

GeneKor MSA
Classification: Uncertain significance for Hereditary cancer-predisposing syndrome. Last evaluated: 2018-08-01. Review status: criteria provided, single submitter. Criteria: ACMG Guidelines, 2015. Collection method: clinical testing. Allele origin: germline.

Natera, Inc.
Classification: Uncertain significance for Ataxia-telangiectasia. Last evaluated: 2020-01-04. Review status: no assertion criteria provided. Collection method: clinical testing. Allele origin: germline. Not counted in ClinVar's aggregate classification.

ITMI
No classification provided. Condition: AllHighlyPenetrant. Last evaluated: 2013-09-19. Review status: no classification provided. Collection method: reference population. Allele origin: germline. Not counted in ClinVar's aggregate classification.
Comment: Please see associated publication for description of ethnicities

Department of Pathology and Laboratory Medicine, Sinai Health System
Classification: Uncertain significance for Malignant tumor of breast. Review status: no assertion criteria provided. Collection method: clinical testing. Allele origin: unknown. Affected: yes. Study: The Canadian Open Genetics Repository (COGR). Not counted in ClinVar's aggregate classification.
Comment: The ATM p.Glu958Gly variant was identified in 2 of 2020 proband chromosomes (frequency: 0.001) from individuals or families with hereditary breast and ovarian cancer and was present in 1 of 4362 control chromosomes (frequency: 0.0002) from healthy individuals (Bodian 2014, Singh 2017). The variant was also identified in dbSNP (ID: rs587778069) as "With Uncertain Significance allele" and in the ClinVar (5x as Uncertain significance by Invitae, Ambry Genetics, GeneDx and two other submitters) database. The variant was not identified in LOVD 3.0 database. It was identified in control databases in 24 of 246208 chromosomes at a frequency of 0.0001 increasing the likelihood this could be a low frequency benign variant (Genome Aggregation Database Feb 27, 2017). The variant was observed in the following populations: Latino in 1 of 33580 chromosomes (freq: 0.00003), European in 1 of 111676 chromosomes (freq: 0.000009), and South Asian in 22 of 30780 chromosomes (freq: 0.0007), while the variant was not observed in the African, Other, Ashkenazi Jewish, East Asian or Finnish populations. The p.Glu958 residue is not conserved in mammals and computational analyses (PolyPhen-2, SIFT, AlignGVGD, BLOSUM, MutationTaster) provide inconsistent predictions regarding the impact to the protein; this information is not very predictive of pathogenicity. The variant occurs outside of the splicing consensus sequence and in silico or computational prediction software programs (SpliceSiteFinder, MaxEntScan, NNSPLICE, GeneSplicer) do not predict a difference in splicing. In summary, based on the above information the clinical significance of this variant cannot be determined with certainty at this time. This variant is classified as a variant of uncertain significance.

Literature cited by the submitters: PubMed 29470806 (cited by Ambry Genetics); PubMed 31159747 (cited by Ambry Genetics); PubMed 32885271 (cited by Ambry Genetics); PubMed 40580951 (cited by Ambry Genetics); PubMed 24728327 (cited by ITMI).

NM_000051.4(ATM):c.2873A>G (p.Glu958Gly)

Gene: ATM (ATM serine/threonine kinase; plus strand). Cytogenetic location: 11q22.3.
Variant type: single nucleotide variant.
Coding change: c.2873A>G on transcript NM_000051.4 (MANE Select); coding-DNA position 2873, A replaced by G.
Protein change: p.Glu958Gly; replaces glutamic acid 958 with glycine.
Molecular consequence: missense variant.
Genome position (GRCh38, 1-based): chr11:108,271,098, A>G. VCF-style: chr11-108271098-A-G. GRCh37 (hg19) VCF-style: chr11-108141825-A-G.
Other names: p.E958G:GAG>GGG; c.2873A>G, p.Glu958Gly (NM_001351834.2); short protein forms E958G.
Identifiers: ClinVar variation 133611 (VCV000133611.31), dbSNP rs587778069, ClinGen allele CA157089.